The following is an entry in ClinVar:

ClinVar aggregate classification (germline): Pathogenic (1 of 4 stars; one submission).

Conditions:
Hermansky-Pudlak syndrome 9 (HPS9). Identifiers: Orphanet 280663, Orphanet 79430, MedGen C3280026, MONDO:0013606, OMIM 614171.

Submission:

Labcorp Genetics (formerly Invitae), Labcorp
Classification: Pathogenic for Hermansky-Pudlak syndrome 9. Last evaluated: 2023-01-15. Review status: criteria provided, single submitter. Criteria: Invitae Variant Classification Sherloc (09022015). Collection method: clinical testing. Allele origin: germline.
Comment: For these reasons, this variant has been classified as Pathogenic. This variant has not been reported in the literature in individuals affected with BLOC1S6-related conditions. This variant is not present in population databases (gnomAD no frequency). This sequence change creates a premature translational stop signal (p.Leu82*) in the BLOC1S6 gene. It is expected to result in an absent or disrupted protein product. Loss-of-function variants in BLOC1S6 are known to be pathogenic (PMID: 10610180, 21665000, 22461475).

Literature cited by the submitters: PubMed 10610180; PubMed 21665000; PubMed 22461475.

NM_012388.4(BLOC1S6):c.245T>A (p.Leu82Ter)

Gene: BLOC1S6 (biogenesis of lysosomal organelles complex 1 subunit 6; plus strand). Cytogenetic location: 15q21.1.
Variant type: single nucleotide variant.
Coding change: c.245T>A on transcript NM_012388.4 (MANE Select); coding-DNA position 245, T replaced by A.
Protein change: p.Leu82Ter; replaces leucine 82 with a stop codon.
Molecular consequence: nonsense. On other transcripts: non-coding transcript variant (6), intron variant (1).
Genome position (GRCh38, 1-based): chr15:45,603,120, T>A. VCF-style: chr15-45603120-T-A. GRCh37 (hg19) VCF-style: chr15-45895318-T-A.
Other names: c.260T>A, p.Leu87Ter (NM_001311255.1); c.240-2308T>A (NM_001311256.1); short protein forms L82*, L87*.
Identifiers: ClinVar variation 2828875 (VCV002828875.2), dbSNP rs2542292506, ClinGen allele CA392300350.